The following is an entry in ClinVar:

ClinVar aggregate classification (germline): Uncertain significance (1 of 4 stars; one submission).

gnomAD v4.1: 1 of 1,613,476 alleles (0.000062%); no homozygotes.

Submission:

Dasa
Classification: Uncertain significance. Last evaluated: 2025-06-27. Review status: criteria provided, single submitter. Criteria: DASA Assertion Criteria. Collection method: clinical testing. Allele origin: germline.
Comment: NM_014975.3(MAST1):c.2125C>G (p.Pro709Ala) is a missense variant that results in the substitution of proline with alanine. This variant is rare in population databases. Computational prediction algorithms are consistent with a benign effect. The currently available literature and clinical evidence are not sufficient to establish a definitive association between this variant and the reported condition. Therefore, this variant is classified as a variant of uncertain significance.

NM_014975.3(MAST1):c.2125C>G (p.Pro709Ala)

Gene: MAST1 (microtubule associated serine/threonine kinase 1; plus strand). Cytogenetic location: 19p13.13.
Variant type: single nucleotide variant.
Coding change: c.2125C>G on transcript NM_014975.3 (MANE Select); coding-DNA position 2125, C replaced by G.
Protein change: p.Pro709Ala; replaces proline 709 with alanine.
Molecular consequence: missense variant.
Genome position (GRCh38, 1-based): chr19:12,866,748, C>G. VCF-style: chr19-12866748-C-G. GRCh37 (hg19) VCF-style: chr19-12977562-C-G.
Other names: short protein forms P709A.
Identifiers: ClinVar variation 4886075 (VCV004886075.2).
Genomic context (GRCh38, chr19:12,866,748, plus strand): 5'-GACGAGGATGACACGACGGAGGAGGAGCCCGTGGAAATCCGCCAGTTCTCTTCCTGCTCT[C>G]CGCGCTTCAGCAAGGTGGGCCAAGTCTGGGTGTGGGACAGGGCGAGACCCCAGGAGGGAT-3'
Protein context (NP_055790.1, residues 699-719): VEIRQFSSCS[Pro709Ala]RFSKVYSSME